The following is an entry in ClinVar:

NM_000026.4(ADSL):c.896T>C (p.Met299Thr)

Gene: ADSL (adenylosuccinate lyase; plus strand). Cytogenetic location: 22q13.1.
Variant type: single nucleotide variant.
Coding change: c.896T>C on transcript NM_000026.4 (MANE Select); coding-DNA position 896, T replaced by C.
Protein change: p.Met299Thr; replaces methionine 299 with threonine.
Molecular consequence: missense variant. On other transcripts: non-coding transcript variant (1).
Genome position (GRCh38, 1-based): chr22:40,361,521, T>C. VCF-style: chr22-40361521-T-C. GRCh37 (hg19) VCF-style: chr22-40757525-T-C.
Other names: c.896T>C, p.Met299Thr (NM_001123378.3, NM_001363840.3); c.704T>C, p.Met235Thr (NM_001317923.2); short protein forms M235T, M299T.
Identifiers: ClinVar variation 652776 (VCV000652776.9), dbSNP rs1364564756, ClinGen allele CA411643920.
Genomic context (GRCh38, chr22:40,361,521, plus strand): 5'-CATCTTGTCCTTTTTTTACATGGGCAGGCTCAAGTGCGATGCCATATAAGCGGAATCCCA[T>C]GCGTTCAGAACGTTGCTGCAGTCTTGCCCGCCACCTGATGACCCTTGTCATGGACCCGCT-3'
Protein context (NP_000017.1, residues 289-309): SSAMPYKRNP[Met299Thr]RSERCCSLAR

ClinVar aggregate classification (germline): Uncertain significance. Review status: criteria provided, multiple submitters, no conflicts (2 of 4 stars). 4 submissions from 4 submitters: Uncertain significance (4). Last evaluated 2025-02-21.

Conditions:
Inborn genetic diseases. Identifiers: MedGen C0950123, MeSH D030342.
Adenylosuccinate lyase deficiency (ADSLD). Also called: ADSL DEFICIENCY. Identifiers: Orphanet 46, MedGen C0268126, MONDO:0007068, OMIM 103050.

Allele frequency attached by ClinVar (database versions not stated): gnomAD exomes 0.00001; gnomAD 0.00002; TOPMed 0.00006.
gnomAD v4.1: 13 of 1,614,134 alleles (0.00081%); highest among the groups gnomAD compares: East Asian, 0.0067%; no homozygotes.

Submissions (4):

GeneDx
Classification: Uncertain significance. Last evaluated: 2025-02-21. Review status: criteria provided, single submitter. Criteria: GeneDx Variant Classification Process June 2021. Collection method: clinical testing. Allele origin: germline. Affected: yes.
Comment: Not observed at significant frequency in large population cohorts (gnomAD); In silico analysis supports that this missense variant has a deleterious effect on protein structure/function; Has not been previously published as pathogenic or benign to our knowledge

Ambry Genetics
Classification: Uncertain significance for Inborn genetic diseases. Last evaluated: 2024-11-09. Review status: criteria provided, single submitter. Criteria: Ambry Variant Classification Scheme 2023. Collection method: clinical testing. Allele origin: germline.

Labcorp Genetics (formerly Invitae), Labcorp
Classification: Uncertain significance for Adenylosuccinate lyase deficiency. Last evaluated: 2022-07-05. Review status: criteria provided, single submitter. Criteria: Invitae Variant Classification Sherloc (09022015). Collection method: clinical testing. Allele origin: germline.
Comment: This sequence change replaces methionine, which is neutral and non-polar, with threonine, which is neutral and polar, at codon 299 of the ADSL protein (p.Met299Thr). This variant is present in population databases (no rsID available, gnomAD 0.0009%). This variant has not been reported in the literature in individuals affected with ADSL-related conditions. ClinVar contains an entry for this variant (Variation ID: 652776). Advanced modeling of protein sequence and biophysical properties (such as structural, functional, and spatial information, amino acid conservation, physicochemical variation, residue mobility, and thermodynamic stability) performed at Invitae indicates that this missense variant is expected to disrupt ADSL protein function. In summary, the available evidence is currently insufficient to determine the role of this variant in disease. Therefore, it has been classified as a Variant of Uncertain Significance.

Blueprint Genetics
Classification: Uncertain significance. Last evaluated: 2021-01-07. Review status: criteria provided, single submitter. Criteria: ACMG Guidelines, 2015. Collection method: clinical testing. Allele origin: germline.